The following is an entry in ClinVar:

ClinVar aggregate classification (germline): Likely benign. Review status: criteria provided, multiple submitters, no conflicts (2 of 4 stars). 2 submissions from 2 submitters: Likely benign (2). Last evaluated 2026-01-02.

Allele frequency attached by ClinVar (database versions not stated): gnomAD 0.00009 and 0.00010; gnomAD exomes 0.00009 and 0.00002; ExAC 0.00002; TOPMed 0.00007.
gnomAD v4.1: 143 of 1,507,774 alleles (0.0095%); highest among the groups gnomAD compares: Non-Finnish European, 0.012%; no homozygotes.

Submissions (2):

Labcorp Genetics (formerly Invitae), Labcorp
Classification: Likely benign. Last evaluated: 2026-01-02. Review status: criteria provided, single submitter. Criteria: Invitae Variant Classification Sherloc (09022015). Collection method: clinical testing. Allele origin: germline.

GeneDx
Classification: Likely benign. Last evaluated: 2018-02-05. Review status: criteria provided, single submitter. Criteria: GeneDx Variant Classification (06012015). Collection method: clinical testing. Allele origin: germline. Affected: yes.
Comment: This variant is considered likely benign or benign based on one or more of the following criteria: it is a conservative change, it occurs at a poorly conserved position in the protein, it is predicted to be benign by multiple in silico algorithms, and/or has population frequency not consistent with disease.

NM_144736.5(NDUFAF7):c.298-16T>A

Gene: NDUFAF7 (NADH:ubiquinone oxidoreductase complex assembly factor 7; plus strand). Cytogenetic location: 2p22.2.
Variant type: single nucleotide variant.
Coding change: c.298-16T>A on transcript NM_144736.5 (MANE Select); 16 bases into the intron before coding-DNA position 298, T replaced by A.
Molecular consequence: intron variant.
Genome position (GRCh38, 1-based): chr2:37,237,741, T>A. VCF-style: chr2-37237741-T-A. GRCh37 (hg19) VCF-style: chr2-37464884-T-A.
Other names: c.298-16T>A (NM_001350024.2, NM_001350027.2); c.217-16T>A (NM_001350025.2, NM_001083946.2).
Identifiers: ClinVar variation 514801 (VCV000514801.2), dbSNP rs750820778, ClinGen allele CA1617112.